The following is an entry in ClinVar:

NM_000038.6(APC):c.5592T>C (p.Ser1864=)

Gene: APC (APC regulator of Wnt signaling pathway; plus strand). Cytogenetic location: 5q22.2.
Variant type: single nucleotide variant.
Coding change: c.5592T>C on transcript NM_000038.6 (MANE Select); coding-DNA position 5592, T replaced by C.
Protein change: p.Ser1864=; no amino-acid change (serine 1864 retained).
Molecular consequence: synonymous variant. On other transcripts: non-coding transcript variant (2).
Genome position (GRCh38, 1-based): chr5:112,841,186, T>C. VCF-style: chr5-112841186-T-C. GRCh37 (hg19) VCF-style: chr5-112176883-T-C.
Other names: c.5592T>C, p.Ser1864= (NM_001127510.3, NM_001354895.2, NM_001407450.1); c.5538T>C, p.Ser1846= (NM_001127511.3); c.5646T>C, p.Ser1882= (NM_001354896.2, NM_001407447.1, NM_001407448.1 and 1 more transcripts); c.5622T>C, p.Ser1874= (NM_001354897.2); c.5517T>C, p.Ser1839= (NM_001354898.2); c.5508T>C, p.Ser1836= (NM_001354899.2); c.5469T>C, p.Ser1823= (NM_001354900.2); c.5415T>C, p.Ser1805= (NM_001354901.2, NM_001407453.1); and 11 more.
Identifiers: ClinVar variation 3254526 (VCV003254526.1), dbSNP rs2149944064.

ClinVar aggregate classification (germline): Benign (1 of 4 stars; one submission).

Conditions:
Familial adenomatous polyposis 1 (FAP1). Also called: FAMILIAL ADENOMATOUS POLYPOSIS 1, ATTENUATED; POLYPOSIS, ADENOMATOUS INTESTINAL. Identifiers: MedGen C2713442, MONDO:0021056, OMIM 175100. Disease mechanism: loss of function.

Allele frequency attached by ClinVar (database versions not stated): gnomAD exomes below 0.00001.
gnomAD v4.1: 1 of 1,614,026 alleles (0.000062%); highest among the groups gnomAD compares: Non-Finnish European, 0.000085%; no homozygotes.

Submission:

Myriad Genetics, Inc.
Classification: Benign for Familial adenomatous polyposis 1. Last evaluated: 2024-04-02. Review status: criteria provided, single submitter. Criteria: Myriad Autosomal Dominant, Autosomal Recessive and X-Linked Classification Criteria (2023). Collection method: clinical testing. Allele origin: unknown.
Comment: This variant is considered benign. This variant is a silent/synonymous amino acid change and it is not expected to impact splicing.